The following is an entry in ClinVar:

NM_001278298.2(COL6A5):c.5249-5T>C

Gene: COL6A5 (collagen type VI alpha 5 chain; plus strand). Cytogenetic location: 3q22.1.
Variant type: single nucleotide variant.
Coding change: c.5249-5T>C on transcript NM_001278298.2 (MANE Select); 5 bases into the intron before coding-DNA position 5249, T replaced by C.
Molecular consequence: intron variant.
Genome position (GRCh38, 1-based): chr3:130,431,460, T>C. VCF-style: chr3-130431460-T-C. GRCh37 (hg19) VCF-style: chr3-130150304-T-C.
Other names: c.5249-5T>C (NM_153264.7).
Identifiers: ClinVar variation 2654133 (VCV002654133.24), dbSNP rs2472458246, ClinGen allele CA354523603.

ClinVar aggregate classification (germline): Uncertain significance (1 of 4 stars; one submission).

Allele frequency attached by ClinVar (database versions not stated): gnomAD exomes below 0.00001.
gnomAD v4.1: 2 of 1,547,694 alleles (0.00013%); highest among the groups gnomAD compares: Non-Finnish European, 0.00017%; no homozygotes.

Submission:

CeGaT Center for Human Genetics Tuebingen
Classification: Uncertain significance. Last evaluated: 2023-08-01. Review status: criteria provided, single submitter. Criteria: CeGaT Center For Human Genetics Tuebingen Variant Classification Criteria Version 2. Collection method: clinical testing. Allele origin: germline. Affected: yes. Observed: 1 variant allele.
Comment: COL6A5: PM2, BP4